The following is an entry in ClinVar:

ClinVar aggregate classification (germline): Uncertain significance (1 of 4 stars; one submission).

gnomAD v4.1: 7 of 1,592,652 alleles (0.00044%); highest among the groups gnomAD compares: African/African-American, 0.0013%; no homozygotes.

Submission:

Labcorp Genetics (formerly Invitae), Labcorp
Classification: Uncertain significance. Last evaluated: 2025-03-05. Review status: criteria provided, single submitter. Criteria: Invitae Variant Classification Sherloc (09022015). Collection method: clinical testing. Allele origin: germline.
Comment: This sequence change replaces asparagine, which is neutral and polar, with lysine, which is basic and polar, at codon 355 of the PLEKHM2 protein (p.Asn355Lys). This variant is not present in population databases (gnomAD no frequency). This variant has not been reported in the literature in individuals affected with PLEKHM2-related conditions. ClinVar contains an entry for this variant (Variation ID: 1413034). An algorithm developed to predict the effect of missense changes on protein structure and function (PolyPhen-2) suggests that this variant is likely to be tolerated. In summary, the available evidence is currently insufficient to determine the role of this variant in disease. Therefore, it has been classified as a Variant of Uncertain Significance.

NM_015164.4(PLEKHM2):c.1065C>A (p.Asn355Lys)

Gene: PLEKHM2 (pleckstrin homology and RUN domain containing M2; plus strand). Cytogenetic location: 1p36.21.
Variant type: single nucleotide variant.
Coding change: c.1065C>A on transcript NM_015164.4 (MANE Select); coding-DNA position 1065, C replaced by A.
Protein change: p.Asn355Lys; replaces asparagine 355 with lysine.
Molecular consequence: missense variant.
Genome position (GRCh38, 1-based): chr1:15,727,137, C>A. VCF-style: chr1-15727137-C-A. GRCh37 (hg19) VCF-style: chr1-16053632-C-A.
Other names: short protein forms N355K.
Identifiers: ClinVar variation 1413034 (VCV001413034.6), dbSNP rs377142193, ClinGen allele CA338585138.
Genomic context (GRCh38, chr1:15,727,137, plus strand): 5'-ACTCCACCCCGCCTGCAGCCAGAAGAAATGTGCCAAGCAGGGGGACGGTGACAGCCGCAA[C>A]GGCAGCCCAAGCCTTGGGCGGGACTCGCCAGACACTATGCTTGCCTCCCCCCAGGAGGAG-3'
Protein context (NP_055979.2, residues 345-365): CAKQGDGDSR[Asn355Lys]GSPSLGRDSP